The following is an entry in ClinVar:

ClinVar aggregate classification (germline): Uncertain significance (1 of 4 stars; one submission).

Conditions:
Ataxia-telangiectasia syndrome (AT). Also called: Ataxia-telangiectasia, complementation group D; AT, COMPLEMENTATION GROUP C; Ataxia telangiectasia (A-T); Cerebello-oculocutaneous telangiectasia; Immunodeficiency with ataxia telangiectasia; Ataxia-telangiectasia. Identifiers: Orphanet 100, MedGen C0004135, MONDO:0008840, OMIM 208900.

Submission:

Labcorp Genetics (formerly Invitae), Labcorp
Classification: Uncertain significance for Ataxia-telangiectasia syndrome. Last evaluated: 2019-12-23. Review status: criteria provided, single submitter. Criteria: Invitae Variant Classification Sherloc (09022015). Collection method: clinical testing. Allele origin: germline.
Comment: In summary, the available evidence is currently insufficient to determine the role of this variant in disease. Therefore, it has been classified as a Variant of Uncertain Significance. Algorithms developed to predict the effect of missense changes on protein structure and function output the following: SIFT: "Tolerated"; PolyPhen-2: "Benign"; Align-GVGD: "Class C0". The serine amino acid residue is found in multiple mammalian species, suggesting that this missense change does not adversely affect protein function. These predictions have not been confirmed by published functional studies and their clinical significance is uncertain. This variant has not been reported in the literature in individuals with ATM-related conditions. This variant is not present in population databases (ExAC no frequency). This sequence change replaces cysteine with serine at codon 489 of the ATM protein (p.Cys489Ser). The cysteine residue is weakly conserved and there is a moderate physicochemical difference between cysteine and serine.

NM_000051.4(ATM):c.1466G>C (p.Cys489Ser)

Gene: ATM (ATM serine/threonine kinase; plus strand). Cytogenetic location: 11q22.3.
Variant type: single nucleotide variant.
Coding change: c.1466G>C on transcript NM_000051.4 (MANE Select); coding-DNA position 1466, G replaced by C.
Protein change: p.Cys489Ser; replaces cysteine 489 with serine.
Molecular consequence: missense variant.
Genome position (GRCh38, 1-based): chr11:108,250,931, G>C. VCF-style: chr11-108250931-G-C. GRCh37 (hg19) VCF-style: chr11-108121658-G-C.
Other names: c.1466G>C, p.Cys489Ser (NM_001351834.2); short protein forms C489S.
Identifiers: ClinVar variation 841795 (VCV000841795.11), dbSNP rs776412334, ClinGen allele CA382534157.